The following is an entry in ClinVar:

ClinVar aggregate classification (germline): Uncertain significance (3 of 4 stars; one submission).

Conditions:
Monogenic diabetes. Identifiers: Orphanet 183625, MedGen C3888631, MONDO:0015967.

Allele frequency attached by ClinVar (database versions not stated): gnomAD exomes below 0.00001.
gnomAD v4.1: 1 of 1,614,176 alleles (0.000062%); highest among the groups gnomAD compares: Admixed American, 0.0017%; no homozygotes.

Submission:

ClinGen Monogenic Diabetes Variant Curation Expert Panel
Classification: Uncertain significance for Monogenic diabetes. Last evaluated: 2025-06-18. Review status: reviewed by expert panel. Criteria: ClinGen Diabetes ACMG Specifications HNF1A V2.1.0. Collection method: curation. Allele origin: germline. Inheritance: Autosomal dominant inheritance.
Comment: The c.433T>C variant in the HNF1 homeobox A gene, HNF1A, causes an amino acid change of serine to proline at codon 145 (p.(Ser145Pro)) of NM_000545.8. This variant resides in an amino acid within the HNF1α DNA binding domain that directly binds DNA, which is defined as critical for the protein’s function by the ClinGen MDEP (PM1). This variant is absent from gnomAD v2.1.1 (PM2_Supporting). This variant is predicted to be deleterious by computational evidence, with a REVEL score of 0.989, which is greater than the MDEP threshold of 0.70 (PP3). Another missense variant at the same codon, c.434C>T p.(Ser145Phe), has been classified as pathogenic by the ClinGen MDEP but has a greater Grantham distance than p.Ser145Pro (PM5_Supporting). This variant was identified in an individual with diabetes; however, the calculated MODY probability is <50%, therefore PP4 was not applied (internal lab contributors). This variant was identified in two unrelated individuals with non-autoimmune and non-absolute/near-absolute insulin-deficient diabetes; however, PS4_Moderate cannot be applied because this number is below the ClinGen MDEP threshold (PMID: 34362814, internal lab contributors). In summary, c.433T>C meets the criteria to be classified as a variant of uncertain significance for monogenic diabetes. ACMG/AMP criteria applied, as specified by the ClinGen MDEP (specification version 2.1.0, approved 8/11/23): PP3, PM2_Supporting, PM1, PM5_Supporting.

Literature cited by the submitters: PubMed 34362814.

NM_000545.8(HNF1A):c.433T>C (p.Ser145Pro)

Gene: HNF1A (HNF1 homeobox A; plus strand). Cytogenetic location: 12q24.31.
Variant type: single nucleotide variant.
Coding change: c.433T>C on transcript NM_000545.8 (MANE Select); coding-DNA position 433, T replaced by C.
Protein change: p.Ser145Pro; replaces serine 145 with proline.
Molecular consequence: missense variant.
Genome position (GRCh38, 1-based): chr12:120,988,939, T>C. VCF-style: chr12-120988939-T-C. GRCh37 (hg19) VCF-style: chr12-121426742-T-C.
Other names: NM_001306179.2:c.433T>C; NM_000545.8(HNF1A):c.433T>C; p.Ser145Pro; c.433T>C, p.Ser145Pro (NM_001306179.2); short protein forms S145P.
Identifiers: ClinVar variation 1676703 (VCV001676703.4), dbSNP rs1248375417, ClinGen allele CA386959975.